The following is an entry in ClinVar:

ClinVar aggregate classification (germline): Uncertain significance. Review status: criteria provided, multiple submitters, no conflicts (2 of 4 stars). 2 submissions from 2 submitters: Uncertain significance (2). Last evaluated 2025-12-08.

Conditions:
Autosomal dominant hypocalcemia 1 (HYPOC1). Also called: HYPOCALCEMIA, FAMILIAL. Identifiers: MedGen C3715128, MONDO:0011013, OMIM 601198.
Familial hypocalciuric hypercalcemia (FHH). Also called: Familial benign hypercalcemia. Identifiers: Orphanet 405, MedGen C1809471, MONDO:0018458.
Nephrolithiasis/nephrocalcinosis. Identifiers: MedGen CN580796.

Allele frequency attached by ClinVar (database versions not stated): gnomAD 0.00001; TOPMed 0.00001.

Submissions (2):

Labcorp Genetics (formerly Invitae), Labcorp
Classification: Uncertain significance for Familial hypocalciuric hypercalcemia; Autosomal dominant hypocalcemia 1. Last evaluated: 2025-12-08. Review status: criteria provided, single submitter. Criteria: Invitae Variant Classification Sherloc (09022015). Collection method: clinical testing. Allele origin: germline.
Comment: This sequence change replaces lysine, which is basic and polar, with arginine, which is basic and polar, at codon 341 of the CASR protein (p.Lys341Arg). This variant is present in population databases (no rsID available, gnomAD 0.007%). This variant has not been reported in the literature in individuals affected with CASR-related conditions. ClinVar contains an entry for this variant (Variation ID: 1763324). An algorithm developed to predict the effect of missense changes on protein structure and function (PolyPhen-2) suggests that this variant is likely to be tolerated. In summary, the available evidence is currently insufficient to determine the role of this variant in disease. Therefore, it has been classified as a Variant of Uncertain Significance.

Ambry Genetics
Classification: Uncertain significance for Nephrolithiasis/nephrocalcinosis. Last evaluated: 2022-09-26. Review status: criteria provided, single submitter. Criteria: Ambry Variant Classification Scheme 2023. Collection method: clinical testing. Allele origin: germline.
Comment: The p.K341R variant (also known as c.1022A>G), located in coding exon 3 of the CASR gene, results from an A to G substitution at nucleotide position 1022. The lysine at codon 341 is replaced by arginine, an amino acid with highly similar properties. This amino acid position is conserved. In addition, this alteration is predicted to be tolerated by in silico analysis. Since supporting evidence is limited at this time, the clinical significance of this alteration remains unclear.

NM_000388.4(CASR):c.1022A>G (p.Lys341Arg)

Gene: CASR (calcium sensing receptor; plus strand). Cytogenetic location: 3q21.1.
Variant type: single nucleotide variant.
Coding change: c.1022A>G on transcript NM_000388.4 (MANE Select); coding-DNA position 1022, A replaced by G.
Protein change: p.Lys341Arg; replaces lysine 341 with arginine.
Molecular consequence: missense variant.
Genome position (GRCh38, 1-based): chr3:122,262,057, A>G. VCF-style: chr3-122262057-A-G. GRCh37 (hg19) VCF-style: chr3-121980904-A-G.
Other names: c.1022A>G, p.Lys341Arg (NM_001178065.2); short protein forms K341R.
Identifiers: ClinVar variation 1763324 (VCV001763324.7), dbSNP rs1189413587, ClinGen allele CA354152181.